The following is an entry in ClinVar:

ClinVar aggregate classification (germline): Uncertain significance. Review status: criteria provided, multiple submitters, no conflicts (2 of 4 stars). 2 submissions from 2 submitters: Uncertain significance (2). Last evaluated 2024-08-27.

Conditions:
Glycogen storage disease IXb (GSD9B). Also called: PHOSPHORYLASE KINASE DEFICIENCY OF LIVER AND MUSCLE, AUTOSOMAL RECESSIVE; GLYCOGENOSIS OF LIVER AND MUSCLE, AUTOSOMAL RECESSIVE; GSD IXb. Identifiers: Orphanet 79240, MedGen C0543514, MONDO:0009868, OMIM 261750.

Allele frequency attached by ClinVar (database versions not stated): ExAC 0.00001; gnomAD 0.00001; gnomAD exomes 0.00001; TOPMed 0.00001.
gnomAD v4.1: 10 of 1,613,354 alleles (0.00062%); highest among the groups gnomAD compares: East Asian, 0.0022%; no homozygotes.

Submissions (2):

Blueprint Genetics
Classification: Uncertain significance. Last evaluated: 2024-08-27. Review status: criteria provided, single submitter. Criteria: ACMG Guidelines, 2015. Collection method: clinical testing. Allele origin: germline.

Labcorp Genetics (formerly Invitae), Labcorp
Classification: Uncertain significance for Glycogen storage disease IXb. Last evaluated: 2017-12-22. Review status: criteria provided, single submitter. Criteria: Invitae Variant Classification Sherloc (09022015). Collection method: clinical testing. Allele origin: germline.
Comment: This sequence change replaces arginine with cysteine at codon 274 of the PHKB protein (p.Arg274Cys). The arginine residue is highly conserved and there is a large physicochemical difference between arginine and cysteine. This variant is present in population databases (rs781197907, ExAC 0.002%). This variant has not been reported in the literature in individuals with PHKB-related disease. Algorithms developed to predict the effect of missense changes on protein structure and function do not agree on the potential impact of this missense change (SIFT: "Deleterious"; PolyPhen-2: "Benign"; Align-GVGD: "Class C65"). In summary, the available evidence is currently insufficient to determine the role of this variant in disease. Therefore, it has been classified as a Variant of Uncertain Significance.

NM_000293.3(PHKB):c.820C>T (p.Arg274Cys)

Gene: PHKB (phosphorylase kinase regulatory subunit beta; plus strand). Cytogenetic location: 16q12.1.
Variant type: single nucleotide variant.
Coding change: c.820C>T on transcript NM_000293.3 (MANE Select); coding-DNA position 820, C replaced by T.
Protein change: p.Arg274Cys; replaces arginine 274 with cysteine.
Molecular consequence: missense variant.
Genome position (GRCh38, 1-based): chr16:47,587,713, C>T. VCF-style: chr16-47587713-C-T. GRCh37 (hg19) VCF-style: chr16-47621624-C-T.
Other names: c.799C>T, p.Arg267Cys (NM_001031835.3); c.820C>T, p.Arg274Cys (NM_001363837.1); short protein forms R274C, R267C.
Identifiers: ClinVar variation 530956 (VCV000530956.2), dbSNP rs781197907, ClinGen allele CA8040632.